The following is an entry in ClinVar:

ClinVar aggregate classification (germline): Pathogenic (1 of 4 stars; one submission).

Conditions:
Werner syndrome (WRN). Identifiers: Orphanet 902, MedGen C0043119, MONDO:0010196, OMIM 277700.

Submission:

Labcorp Genetics (formerly Invitae), Labcorp
Classification: Pathogenic for Werner syndrome. Last evaluated: 2020-10-19. Review status: criteria provided, single submitter. Criteria: Invitae Variant Classification Sherloc (09022015). Collection method: clinical testing. Allele origin: germline.
Comment: This variant results in the deletion of part of exon 33 (c.3851_3982+449del) of the WRN gene. It is expected to disrupt RNA splicing and likely results in an absent or disrupted protein product. This variant has been observed in individual(s) with clinical features of Werner syndrome (Invitae). In at least one individual the data is consistent with the variant being in trans (on the opposite chromosome) from a pathogenic variant. Loss-of-function variants in WRN are known to be pathogenic (PMID: 16673358). For these reasons, this variant has been classified as Pathogenic.

Literature cited by the submitters: PubMed 16673358.

NC_000008.10:g.(?_31014911)_31015491del

Gene: WRN (WRN RecQ like helicase; plus strand).
Variant type: Deletion.
Identifiers: ClinVar variation 1071705 (VCV001071705.2).